The following is an entry in ClinVar:

NM_001024845.3(SLC6A9):c.1820T>A (p.Val607Asp)

Gene: SLC6A9 (solute carrier family 6 member 9; minus strand). Cytogenetic location: 1p34.1.
Variant type: single nucleotide variant.
Coding change: c.1820T>A on transcript NM_001024845.3 (MANE Select); coding-DNA position 1820, T replaced by A.
Protein change: p.Val607Asp; replaces valine 607 with aspartic acid.
Molecular consequence: missense variant. On other transcripts: non-coding transcript variant (1).
Genome position (GRCh38, 1-based): chr1:43,997,627, A>T on the plus strand (T>A on the coding strand, the complement: SLC6A9 is on the minus strand). VCF-style: chr1-43997627-A-T. GRCh37 (hg19) VCF-style: chr1-44463299-A-T.
Other names: c.1832T>A, p.Val611Asp (NM_001261380.2); c.1487T>A, p.Val496Asp (NM_001328626.2); c.1757T>A, p.Val586Asp (NM_001328627.1); c.1625T>A, p.Val542Asp (NM_001328628.1); c.1820T>A, p.Val607Asp (NM_001328629.1); c.1316T>A, p.Val439Asp (NM_001328630.2); c.1877T>A, p.Val626Asp (NM_006934.4); c.2039T>A, p.Val680Asp (NM_201649.4); short protein forms V542D, V586D, V607D, V439D, V626D, V611D, V680D, V496D.
Identifiers: ClinVar variation 2072587 (VCV002072587.4), dbSNP rs1055844989, ClinGen allele CA340066320.

ClinVar aggregate classification (germline): Uncertain significance (1 of 4 stars; one submission).

Conditions:
Atypical glycine encephalopathy. Also called: Glycine encephalopathy with normal serum glycine. Identifiers: Orphanet 289863, MedGen C4310943, MONDO:0015010, OMIM 617301.

Allele frequency attached by ClinVar (database versions not stated): TOPMed below 0.00001; gnomAD 0.00001.
gnomAD v4.1: 1 of 1,613,644 alleles (0.000062%); highest among the groups gnomAD compares: Admixed American, 0.0017%; no homozygotes.

Submission:

Labcorp Genetics (formerly Invitae), Labcorp
Classification: Uncertain significance for Atypical glycine encephalopathy. Last evaluated: 2024-12-18. Review status: criteria provided, single submitter. Criteria: Invitae Variant Classification Sherloc (09022015). Collection method: clinical testing. Allele origin: germline.
Comment: This sequence change replaces valine, which is neutral and non-polar, with aspartic acid, which is acidic and polar, at codon 680 of the SLC6A9 protein (p.Val680Asp). This variant is not present in population databases (gnomAD no frequency). This variant has not been reported in the literature in individuals affected with SLC6A9-related conditions. ClinVar contains an entry for this variant (Variation ID: 2072587). An algorithm developed to predict the effect of missense changes on protein structure and function (PolyPhen-2) suggests that this variant is likely to be tolerated. In summary, the available evidence is currently insufficient to determine the role of this variant in disease. Therefore, it has been classified as a Variant of Uncertain Significance.